The following is an entry in ClinVar:

ClinVar aggregate classification (germline): Pathogenic (1 of 4 stars; one submission).

Allele frequency attached by ClinVar (database versions not stated): gnomAD exomes below 0.00001.

Submission:

Labcorp Genetics (formerly Invitae), Labcorp
Classification: Pathogenic. Last evaluated: 2022-09-23. Review status: criteria provided, single submitter. Criteria: Invitae Variant Classification Sherloc (09022015). Collection method: clinical testing. Allele origin: germline.
Comment: For these reasons, this variant has been classified as Pathogenic. This variant disrupts a region of the HSD3B7 protein in which other variant(s) (p.Leu347Valfs*6) have been determined to be pathogenic (PMID: 12679481). This suggests that this is a clinically significant region of the protein, and that variants that disrupt it are likely to be disease-causing. This sequence change creates a premature translational stop signal (p.Asp204Alafs*48) in the HSD3B7 gene. While this is not anticipated to result in nonsense mediated decay, it is expected to disrupt the last 166 amino acid(s) of the HSD3B7 protein. This variant is not present in population databases (gnomAD no frequency). This variant has not been reported in the literature in individuals affected with HSD3B7-related conditions.

Literature cited by the submitters: PubMed 12679481.

NM_025193.4(HSD3B7):c.611del (p.Asp204fs)

Gene: HSD3B7 (hydroxy-delta-5-steroid dehydrogenase, 3 beta- and steroid delta-isomerase 7; plus strand). Cytogenetic location: 16p11.2.
Variant type: Deletion.
Coding change: c.611del on transcript NM_025193.4 (MANE Select); coding-DNA position 611, one base deleted (A; older notation c.611delA).
Protein change: p.Asp204fs; shifts the reading frame from aspartic acid 204.
Molecular consequence: frameshift variant. On other transcripts: intron variant (2).
Genome position (GRCh38, 1-based): chr16:30,986,919, A deleted. VCF-style (leftmost placement, unchanged base first): chr16-30986918-GA-G. GRCh37 (hg19) VCF-style: chr16-30998239-GA-G.
Other names: c.531+215del (NM_001142777.2, NM_001142778.2); short protein forms D204fs.
Identifiers: ClinVar variation 2030273 (VCV002030273.4), dbSNP rs2543936346, ClinGen allele CA912995715.